The following is an entry in ClinVar:

ClinVar aggregate classification (germline): Uncertain significance (1 of 4 stars; one submission).

Submission:

Labcorp Genetics (formerly Invitae), Labcorp
Classification: Uncertain significance. Last evaluated: 2025-04-17. Review status: criteria provided, single submitter. Criteria: Invitae Variant Classification Sherloc (09022015). Collection method: clinical testing. Allele origin: germline.
Comment: This sequence change replaces valine, which is neutral and non-polar, with leucine, which is neutral and non-polar, at codon 629 of the LZTR1 protein (p.Val629Leu). This variant is not present in population databases (gnomAD no frequency). This variant has not been reported in the literature in individuals affected with LZTR1-related conditions. Invitae Evidence Modeling of protein sequence and biophysical properties (such as structural, functional, and spatial information, amino acid conservation, physicochemical variation, residue mobility, and thermodynamic stability) indicates that this missense variant is not expected to disrupt LZTR1 protein function with a negative predictive value of 80%. In summary, the available evidence is currently insufficient to determine the role of this variant in disease. Therefore, it has been classified as a Variant of Uncertain Significance.

NM_006767.4(LZTR1):c.1885G>T (p.Val629Leu)

Gene: LZTR1 (leucine zipper like post translational regulator 1; plus strand). Cytogenetic location: 22q11.21.
Variant type: single nucleotide variant.
Coding change: c.1885G>T on transcript NM_006767.4 (MANE Select); coding-DNA position 1885, G replaced by T.
Protein change: p.Val629Leu; replaces valine 629 with leucine.
Molecular consequence: missense variant.
Genome position (GRCh38, 1-based): chr22:20,994,969, G>T. VCF-style: chr22-20994969-G-T. GRCh37 (hg19) VCF-style: chr22-21349258-G-T.
Other names: short protein forms V629L.
Identifiers: ClinVar variation 4766750 (VCV004766750.1).